The following is an entry in ClinVar:

ClinVar aggregate classification (germline): Uncertain significance (1 of 4 stars; one submission).

Conditions:
Paroxysmal nonkinesigenic dyskinesia. Also called: Paroxysmal non-kinesigenic dyskinesia. Identifiers: Orphanet 98810, MedGen C1869117, MONDO:0700088.

Submission:

Labcorp Genetics (formerly Invitae), Labcorp
Classification: Uncertain significance for Paroxysmal nonkinesigenic dyskinesia. Last evaluated: 2023-07-07. Review status: criteria provided, single submitter. Criteria: Invitae Variant Classification Sherloc (09022015). Collection method: clinical testing. Allele origin: germline.
Comment: In summary, the available evidence is currently insufficient to determine the role of this variant in disease. Therefore, it has been classified as a Variant of Uncertain Significance. An algorithm developed to predict the effect of missense changes on protein structure and function (PolyPhen-2) suggests that this variant is likely to be disruptive. ClinVar contains an entry for this variant (Variation ID: 2097445). This variant has not been reported in the literature in individuals affected with PNKD-related conditions. This variant is not present in population databases (gnomAD no frequency). This sequence change replaces glycine, which is neutral and non-polar, with alanine, which is neutral and non-polar, at codon 89 of the PNKD protein (p.Gly89Ala).

NM_015488.5(PNKD):c.266G>C (p.Gly89Ala)

Genes: CATIP-AS2 (CATIP antisense RNA 2; minus strand), PNKD (PNKD metallo-beta-lactamase domain containing; plus strand). Cytogenetic location: 2q35.
Variant type: single nucleotide variant.
Coding change: c.266G>C on transcript NM_015488.5 (MANE Select); coding-DNA position 266, G replaced by C.
Protein change: p.Gly89Ala; replaces glycine 89 with alanine.
Molecular consequence: missense variant.
Genome position (GRCh38, 1-based): chr2:218,339,812, G>C. VCF-style: chr2-218339812-G-C. GRCh37 (hg19) VCF-style: chr2-219204535-G-C.
Other names: c.194G>C, p.Gly65Ala (NM_022572.5); short protein forms G89A, G65A.
Identifiers: ClinVar variation 2097445 (VCV002097445.4), dbSNP rs2469461780, ClinGen allele CA350538133.